The following is an entry in ClinVar:

NM_023014.1(PRAMEF2):c.933G>A (p.Lys311=)

Gene: PRAMEF2 (PRAME family member 2; plus strand). Cytogenetic location: 1p36.21.
Variant type: single nucleotide variant.
Coding change: c.933G>A on transcript NM_023014.1 (MANE Select); coding-DNA position 933, G replaced by A.
Protein change: p.Lys311=; no amino-acid change (lysine 311 retained).
Molecular consequence: synonymous variant.
Genome position (GRCh38, 1-based): chr1:12,861,287, G>A. VCF-style: chr1-12861287-G-A. GRCh37 (hg19) VCF-style: chr1-12921142-G-A.
Identifiers: ClinVar variation 4533518 (VCV004533518.6).

ClinVar aggregate classification (germline): Likely benign (1 of 4 stars; one submission).

gnomAD v4.1: 894 of 1,589,746 alleles (0.056%); highest among the groups gnomAD compares: South Asian, 0.21%; 135 homozygotes.

Submission:

CeGaT Center for Human Genetics Tuebingen
Classification: Likely benign. Last evaluated: 2025-10-01. Review status: criteria provided, single submitter. Criteria: CeGaT Center For Human Genetics Tuebingen Variant Classification Criteria Version 2. Collection method: clinical testing. Allele origin: germline. Affected: yes. Observed: 1 variant allele.
Comment: PRAMEF2: BP4, BP7, BS2